The following is an entry in ClinVar:

NM_018127.7(ELAC2):c.1577G>A (p.Arg526His)

Gene: ELAC2 (elaC ribonuclease Z 2; minus strand). Cytogenetic location: 17p12.
Variant type: single nucleotide variant.
Coding change: c.1577G>A on transcript NM_018127.7 (MANE Select); coding-DNA position 1577, G replaced by A.
Protein change: p.Arg526His; replaces arginine 526 with histidine.
Molecular consequence: missense variant.
Genome position (GRCh38, 1-based): chr17:12,996,629, C>T on the plus strand (G>A on the coding strand, the complement: ELAC2 is on the minus strand). VCF-style: chr17-12996629-C-T. GRCh37 (hg19) VCF-style: chr17-12899946-C-T.
Other names: c.1457G>A, p.Arg486His (NM_001165962.2); c.1574G>A, p.Arg525His (NM_173717.2); c.1577G>A (NM_018127.6); short protein forms R525H, R526H, R486H.
Identifiers: ClinVar variation 1039547 (VCV001039547.5), dbSNP rs775698705, ClinGen allele CA8401147.

ClinVar aggregate classification (germline): Uncertain significance. Review status: criteria provided, multiple submitters, no conflicts (2 of 4 stars). 2 submissions from 2 submitters: Uncertain significance (2). Last evaluated 2025-01-26.

Conditions:
Combined oxidative phosphorylation defect type 17. Also called: Combined oxidative phosphorylation deficiency 17. Identifiers: Orphanet 369913, MedGen C3809526, MONDO:0014190, OMIM 615440.
Inborn genetic diseases. Identifiers: MedGen C0950123, MeSH D030342.

Allele frequency attached by ClinVar (database versions not stated): TOPMed 0.00001; ExAC 0.00002; gnomAD exomes 0.00002.
gnomAD v4.1: 6 of 1,614,030 alleles (0.00037%); highest among the groups gnomAD compares: Non-Finnish European, 0.00042%; no homozygotes.

Submissions (2):

Labcorp Genetics (formerly Invitae), Labcorp
Classification: Uncertain significance for Combined oxidative phosphorylation defect type 17. Last evaluated: 2025-01-26. Review status: criteria provided, single submitter. Criteria: Invitae Variant Classification Sherloc (09022015). Collection method: clinical testing. Allele origin: germline.
Comment: This sequence change replaces arginine, which is basic and polar, with histidine, which is basic and polar, at codon 526 of the ELAC2 protein (p.Arg526His). This variant is present in population databases (rs775698705, gnomAD 0.01%). This variant has not been reported in the literature in individuals affected with ELAC2-related conditions. ClinVar contains an entry for this variant (Variation ID: 1039547). Invitae Evidence Modeling of protein sequence and biophysical properties (such as structural, functional, and spatial information, amino acid conservation, physicochemical variation, residue mobility, and thermodynamic stability) indicates that this missense variant is not expected to disrupt ELAC2 protein function with a negative predictive value of 80%. In summary, the available evidence is currently insufficient to determine the role of this variant in disease. Therefore, it has been classified as a Variant of Uncertain Significance.

Ambry Genetics
Classification: Uncertain significance for Inborn genetic diseases. Last evaluated: 2021-04-29. Review status: criteria provided, single submitter. Criteria: Ambry Variant Classification Scheme 2023. Collection method: clinical testing. Allele origin: germline.